The following is an entry in ClinVar:

ClinVar aggregate classification (germline): Likely benign. Review status: criteria provided, single submitter (1 of 4 stars). 2 submissions from 2 submitters: Likely benign (1). 1 of the submissions does not count toward it. Last evaluated 2025-06-03.

Conditions:
ADGRV1-related disorder. Also called: ADGRV1-related disorders; ADGRV1-related condition.

Allele frequency attached by ClinVar (database versions not stated): gnomAD exomes 0.00001 and 0.00002; TOPMed 0.00002; ExAC 0.00006.
gnomAD v4.1: 6 of 1,608,442 alleles (0.00037%); highest among the groups gnomAD compares: Admixed American, 0.01%; no homozygotes.

Submissions (2):

Labcorp Genetics (formerly Invitae), Labcorp
Classification: Likely benign. Last evaluated: 2025-06-03. Review status: criteria provided, single submitter. Criteria: Invitae Variant Classification Sherloc (09022015). Collection method: clinical testing. Allele origin: germline.

PreventionGenetics, part of Exact Sciences
Classification: Likely benign for ADGRV1-related condition. Last evaluated: 2019-06-05. Review status: no assertion criteria provided. Collection method: clinical testing. Allele origin: germline. Not counted in ClinVar's aggregate classification.
Comment: This variant is classified as likely benign based on ACMG/AMP sequence variant interpretation guidelines (Richards et al. 2015 PMID: 25741868, with internal and published modifications).

NM_032119.4(ADGRV1):c.2574G>A (p.Val858=)

Gene: ADGRV1 (adhesion G protein-coupled receptor V1; plus strand). Cytogenetic location: 5q14.3.
Variant type: single nucleotide variant.
Coding change: c.2574G>A on transcript NM_032119.4 (MANE Select); coding-DNA position 2574, G replaced by A.
Protein change: p.Val858=; no amino-acid change (valine 858 retained).
Molecular consequence: synonymous variant. On other transcripts: non-coding transcript variant (1).
Genome position (GRCh38, 1-based): chr5:90,643,823, G>A. VCF-style: chr5-90643823-G-A. GRCh37 (hg19) VCF-style: chr5-89939640-G-A.
Other names: c.2574G>A (NM_032119.3).
Identifiers: ClinVar variation 1113295 (VCV001113295.11), dbSNP rs771140827, ClinGen allele CA3338971.